The following is an entry in ClinVar:

NM_201384.3(PLEC):c.11921G>C (p.Gly3974Ala)

Gene: PLEC (plectin; minus strand). Cytogenetic location: 8q24.3.
Variant type: single nucleotide variant.
Coding change: c.11921G>C on transcript NM_201384.3 (MANE Select); coding-DNA position 11921, G replaced by C.
Protein change: p.Gly3974Ala; replaces glycine 3974 with alanine.
Molecular consequence: missense variant.
Genome position (GRCh38, 1-based): chr8:143,917,900, C>G on the plus strand (G>C on the coding strand, the complement: PLEC is on the minus strand). VCF-style: chr8-143917900-C-G. GRCh37 (hg19) VCF-style: chr8-144992068-C-G.
Other names: c.12002G>C, p.Gly4001Ala (NM_000445.5); c.11879G>C, p.Gly3960Ala (NM_201378.4); c.11855G>C, p.Gly3952Ala (NM_201379.3); c.12332G>C, p.Gly4111Ala (NM_201380.4); c.11825G>C, p.Gly3942Ala (NM_201381.3); c.11921G>C, p.Gly3974Ala (NM_201382.4); c.11933G>C, p.Gly3978Ala (NM_201383.3); short protein forms G3960A, G3942A, G3952A, G3974A, G4111A, G3978A, G4001A.
Identifiers: ClinVar variation 1379615 (VCV001379615.6), dbSNP rs1554673455, ClinGen allele CA372487441.
Genomic context (GRCh38, chr8:143,917,900, plus strand): 5'-CCCATACGCACAGCCTCCTCCACCGTCAGCTTCAGTCCCTTGATGGGGTCGATGACGTAA[C>G]CGGTGGCCGCCTGCGCCTCCAGGAGCTCAAAGGCTGTGCCGGGGCGGATGATGCCCTTCT-3'
Protein context (NP_958786.1, residues 3964-3984): FELLEAQAAT[Gly3974Ala]YVIDPIKGLK

ClinVar aggregate classification (germline): Uncertain significance (1 of 4 stars; one submission).

Conditions:
Epidermolysis bullosa simplex 5B, with muscular dystrophy (EBS5B). Also called: Epidermolysis bullosa simplex with muscular dystrophy; EPIDERMOLYSIS BULLOSA SIMPLEX AND LIMB-GIRDLE MUSCULAR DYSTROPHY. Identifiers: Orphanet 257, MedGen C2931072, MONDO:0009181, OMIM 226670.
Epidermolysis bullosa simplex, Ogna type (EBS5A). Also called: Pidermolysis bullosa simplex 5A, Ogna type; EPIDERMOLYSIS BULLOSA SIMPLEX 5A, OGNA TYPE. Identifiers: Orphanet 79401, MedGen C0432317, MONDO:0007555, OMIM 131950.
Autosomal recessive limb-girdle muscular dystrophy type 2Q (LGMDR17). Also called: MUSCULAR DYSTROPHY, LIMB-GIRDLE, AUTOSOMAL RECESSIVE 17. Identifiers: Orphanet 254361, MedGen C3150989, MONDO:0013390, OMIM 613723.
Epidermolysis bullosa simplex with nail dystrophy (EBS5D). Identifiers: MedGen C4225309, MONDO:0014661, OMIM 616487.
Epidermolysis bullosa simplex 5C, with pyloric atresia (EBS5C). Also called: Epidermolysis bullosa simplex with pyloric atresia; PLEC-Related Epidermolysis Bullosa with Pyloric Atresia; PLEC1-Related Epidermolysis Bullosa with Pyloric Atresia. Identifiers: Orphanet 158684, MedGen C2677349, MONDO:0012807, OMIM 612138.

Submission:

Labcorp Genetics (formerly Invitae), Labcorp
Classification: Uncertain significance for Autosomal recessive limb-girdle muscular dystrophy type 2Q; Epidermolysis bullosa simplex, Ogna type; Epidermolysis bullosa simplex with nail dystrophy; Epidermolysis bullosa simplex 5C, with pyloric atresia; Epidermolysis bullosa simplex 5B, with muscular dystrophy. Last evaluated: 2022-07-19. Review status: criteria provided, single submitter. Criteria: Invitae Variant Classification Sherloc (09022015). Collection method: clinical testing. Allele origin: germline.
Comment: In summary, the available evidence is currently insufficient to determine the role of this variant in disease. Therefore, it has been classified as a Variant of Uncertain Significance. Algorithms developed to predict the effect of missense changes on protein structure and function (SIFT, PolyPhen-2, Align-GVGD) all suggest that this variant is likely to be disruptive. ClinVar contains an entry for this variant (Variation ID: 1379615). This variant has not been reported in the literature in individuals affected with PLEC-related conditions. This variant is not present in population databases (gnomAD no frequency). This sequence change replaces glycine, which is neutral and non-polar, with alanine, which is neutral and non-polar, at codon 4001 of the PLEC protein (p.Gly4001Ala).